The following is an entry in ClinVar:

GRCh37/hg19 17q22-24.2(chr17:57357088-66306668)

Genes: ACE (angiotensin I converting enzyme; plus strand), AMZ2 (archaelysin family metallopeptidase 2; plus strand), APOH (apolipoprotein H; minus strand), APPBP2 (amyloid beta precursor protein binding protein 2; minus strand), ARSG (arylsulfatase G; plus strand) and 74 more. Cytogenetic location: 17q22-24.2.
Variant type: copy number gain.
Identifiers: ClinVar variation 625756 (VCV000625756.1).

ClinVar aggregate classification (germline): Pathogenic (1 of 4 stars; one submission).

Submission:

Baylor Genetics
Classification: Pathogenic. Last evaluated: 2018-11-01. Review status: criteria provided, single submitter. Criteria: ACMG CNV Guidelines, 2011. Collection method: clinical testing. Allele origin: de novo. Observed: 1 variant allele.